The following is an entry in ClinVar:

NM_020320.3(RARS2):c.-34T>G

Gene: RARS2 (arginyl-tRNA synthetase 2, mitochondrial; minus strand). Cytogenetic location: 6q15.
Variant type: single nucleotide variant.
Coding change: c.-34T>G on transcript NM_020320.3; 34 bases upstream of the start codon, T replaced by G.
Genome position (GRCh38, 1-based): chr6:87,589,991, A>C on the plus strand (T>G on the coding strand, the complement: RARS2 is on the minus strand). VCF-style: chr6-87589991-A-C. GRCh37 (hg19) VCF-style: chr6-88299709-A-C.
Identifiers: ClinVar variation 138892 (VCV000138892.3), dbSNP rs28381460, ClinGen allele CA293070.

ClinVar aggregate classification (germline): Benign (1 of 4 stars; one submission).

Allele frequency attached by ClinVar (database versions not stated): 1000 Genomes Project 30x 0.00016; 1000 Genomes Project 0.00020; ESP Exome Variant Server 0.00092; ExAC 0.00033; TOPMed 0.00127.

Submission:

GeneDx
Classification: Benign. Last evaluated: 2014-03-31. Review status: criteria provided, single submitter. Criteria: GeneDx Variant Classification (06012015). Collection method: clinical testing. Allele origin: germline. Affected: yes.
Comment: This variant is considered likely benign or benign based on one or more of the following criteria: it is a conservative change, it occurs at a poorly conserved position in the protein, it is predicted to be benign by multiple in silico algorithms, and/or has population frequency not consistent with disease.